The following is an entry in ClinVar:

ClinVar aggregate classification (germline): Uncertain significance (1 of 4 stars; one submission).

Conditions:
Neuronal ceroid lipofuscinosis. Also called: Neuronal Ceroid Lipofuscinoses. Identifiers: Orphanet 216, Orphanet 79263, MedGen C0027877, MONDO:0016295. Disease mechanism: loss of function.

Submission:

Labcorp Genetics (formerly Invitae), Labcorp
Classification: Uncertain significance for Neuronal ceroid lipofuscinosis. Last evaluated: 2022-03-02. Review status: criteria provided, single submitter. Criteria: Invitae Variant Classification Sherloc (09022015). Collection method: clinical testing. Allele origin: germline.
Comment: This variant is a gross deletion of the genomic region encompassing exon(s) 5-9 of the CTSD gene, which includes the termination codon. This deletion extends beyond the assayed region for this gene and therefore may encompass additional genes. While this deletion is not anticipated to lead to nonsense mediated decay, it is expected to alter mRNA translation or result in a truncated protein product. In summary, the available evidence is currently insufficient to determine the role of this variant in disease. Therefore, it has been classified as a Variant of Uncertain Significance. This variant has not been reported in the literature in individuals affected with CTSD-related conditions.

NC_000011.9:g.(?_1774733)_(1778806_?)del

Gene: CTSD (cathepsin D; minus strand). Cytogenetic location: 11p15.5.
Variant type: Deletion.
Identifiers: ClinVar variation 2424317 (VCV002424317.4).